The following is an entry in ClinVar:

NM_000093.5(COL5A1):c.2844G>A (p.Arg948=)

Gene: COL5A1 (collagen type V alpha 1 chain; plus strand). Cytogenetic location: 9q34.3.
Variant type: single nucleotide variant.
Coding change: c.2844G>A on transcript NM_000093.5 (MANE Select); coding-DNA position 2844, G replaced by A.
Protein change: p.Arg948=; no amino-acid change (arginine 948 retained).
Molecular consequence: synonymous variant.
Genome position (GRCh38, 1-based): chr9:134,796,418, G>A. VCF-style: chr9-134796418-G-A. GRCh37 (hg19) VCF-style: chr9-137688264-G-A.
Other names: c.2844G>A (NM_000093.3); c.2844G>A, p.Arg948= (NM_001278074.1).
Identifiers: ClinVar variation 1046579 (VCV001046579.46), dbSNP rs1421835224, ClinGen allele CA467665481.

ClinVar aggregate classification (germline): Uncertain significance. Review status: criteria provided, multiple submitters, no conflicts (2 of 4 stars). 2 submissions from 2 submitters: Uncertain significance (2). Last evaluated 2022-11-14.

Conditions:
Ehlers-Danlos syndrome, classic type, 1 (EDSCL1). Also called: EHLERS-DANLOS SYNDROME, GRAVIS TYPE; EHLERS-DANLOS SYNDROME, SEVERE CLASSIC TYPE; EDS I; Ehlers-Danlos Syndrome, Classic Type, COL5A1-Related; Ehlers-Danlos syndrome, type 1. Identifiers: MedGen C0268335, MONDO:0019567, OMIM 130000.

gnomAD v4.1: 3 of 1,614,148 alleles (0.00019%); highest among the groups gnomAD compares: Non-Finnish European, 0.00025%; no homozygotes.

Submissions (2):

GeneDx
Classification: Uncertain significance. Last evaluated: 2022-11-14. Review status: criteria provided, single submitter. Criteria: GeneDx Variant Classification Process June 2021. Collection method: clinical testing. Allele origin: germline. Affected: yes.
Comment: Not observed at significant frequency in large population cohorts (gnomAD); In silico analysis supports that this variant does not alter splicing; Has not been previously published as pathogenic or benign to our knowledge

Labcorp Genetics (formerly Invitae), Labcorp
Classification: Uncertain significance for Ehlers-Danlos syndrome, classic type, 1. Last evaluated: 2022-02-24. Review status: criteria provided, single submitter. Criteria: Invitae Variant Classification Sherloc (09022015). Collection method: clinical testing. Allele origin: germline.
Comment: In summary, the available evidence is currently insufficient to determine the role of this variant in disease. Therefore, it has been classified as a Variant of Uncertain Significance. Variants that disrupt the consensus splice site are a relatively common cause of aberrant splicing (PMID: 17576681, 9536098). Algorithms developed to predict the effect of sequence changes on RNA splicing suggest that this variant may create or strengthen a splice site. ClinVar contains an entry for this variant (Variation ID: 1046579). This variant has not been reported in the literature in individuals affected with COL5A1-related conditions. This variant is not present in population databases (gnomAD no frequency). This sequence change affects codon 948 of the COL5A1 mRNA. It is a 'silent' change, meaning that it does not change the encoded amino acid sequence of the COL5A1 protein. This variant also falls at the last nucleotide of exon 35, which is part of the consensus splice site for this exon.

Literature cited by the submitters: PubMed 17576681 (cited by Labcorp Genetics (formerly Invitae), Labcorp); PubMed 9536098 (cited by Labcorp Genetics (formerly Invitae), Labcorp).